The following is an entry in ClinVar:

NM_000352.6(ABCC8):c.3593del (p.Pro1198fs)

Gene: ABCC8 (ATP binding cassette subfamily C member 8; minus strand). Cytogenetic location: 11p15.1.
Variant type: Deletion.
Coding change: c.3593del on transcript NM_000352.6 (MANE Select); coding-DNA position 3593, one base deleted (C; older notation c.3593delC).
Protein change: p.Pro1198fs; shifts the reading frame from proline 1198.
Molecular consequence: frameshift variant. On other transcripts: non-coding transcript variant (1).
Genome position (GRCh38, 1-based): chr11:17,402,718, G deleted on the plus strand (C on the coding strand, the reverse complement: ABCC8 is on the minus strand); the first of 2 consecutive G bases (chr11:17,402,718-17,402,719); deleting either gives the same sequence. VCF-style (leftmost placement, unchanged base first): chr11-17402717-TG-T. GRCh37 (hg19) VCF-style: chr11-17424264-TG-T.
Other names: c.3596del, p.Pro1199fs (NM_001287174.3); c.3659del, p.Pro1220fs (NM_001351295.2); c.3593del, p.Pro1198fs (NM_001351296.2); c.3590del, p.Pro1197fs (NM_001351297.2); short protein forms P1197fs, P1198fs, P1199fs, P1220fs.
Identifiers: ClinVar variation 5012826 (VCV005012826.1).

ClinVar aggregate classification (germline): Pathogenic (1 of 4 stars; one submission).

Conditions:
Hyperinsulinemic hypoglycemia, familial, 1 (HHF1). Also called: HYPERINSULINISM, FAMILIAL, WITH PANCREATIC NESIDIOBLASTOSIS; HYPOGLYCEMIA, HYPERINSULINEMIC, OF INFANCY; NESIDIOBLASTOSIS OF PANCREAS; Persistent Hyperinsulinemia Hypoglycemia of Infancy; Persistent hyperinsulinemic hypoglycemia of infancy. Identifiers: Orphanet 276575, Orphanet 276598, MedGen C2931832, MONDO:0009734, OMIM 256450.

Submission:

Myriad Genetics, Inc.
Classification: Pathogenic for Hyperinsulinemic hypoglycemia, familial, 1. Last evaluated: 2024-03-16. Review status: criteria provided, single submitter. Criteria: Myriad Autosomal Dominant, Autosomal Recessive and X-Linked Classification Criteria (2023). Collection method: clinical testing. Allele origin: unknown.
Comment: NM_000352.3(ABCC8):c.3593delC(P1198Hfs*10) is expected to be pathogenic in the context of familial hyperinsulinism, ABCC8-related. This variant is predicted to lead to an abnormal or absent protein product due to the creation of a premature termination codon in ABCC8, a gene where loss-of-function variants are known to be pathogenic. Please note: this variant was assessed in the context of healthy population screening.